The following is an entry in ClinVar:

ClinVar aggregate classification (germline): Benign (1 of 4 stars; one submission).

Allele frequency attached by ClinVar (database versions not stated): gnomAD 0.02915 and 0.03117; 1000 Genomes Project 0.03215; TOPMed 0.03263; 1000 Genomes Project 30x 0.03404.
gnomAD v4.1: 4,401 of 152,296 alleles (2.9%); highest among the groups gnomAD compares: African/African-American, 9.9%; 232 homozygotes.

Submission:

GeneDx
Classification: Benign. Last evaluated: 2018-06-14. Review status: criteria provided, single submitter. Criteria: GeneDx Variant Classification (06012015). Collection method: clinical testing. Allele origin: germline. Affected: yes.
Comment: This variant is considered likely benign or benign based on one or more of the following criteria: it is a conservative change, it occurs at a poorly conserved position in the protein, it is predicted to be benign by multiple in silico algorithms, and/or has population frequency not consistent with disease.

NM_000548.5(TSC2):c.2838-372C>T

Gene: TSC2 (TSC complex subunit 2; plus strand). Cytogenetic location: 16p13.3.
Variant type: single nucleotide variant.
Coding change: c.2838-372C>T on transcript NM_000548.5 (MANE Select); 372 bases into the intron before coding-DNA position 2838, C replaced by T.
Molecular consequence: intron variant.
Genome position (GRCh38, 1-based): chr16:2,077,226, C>T. VCF-style: chr16-2077226-C-T. GRCh37 (hg19) VCF-style: chr16-2127227-C-T.
Other names: c.2838-372C>T (NM_001114382.3); c.2837+641C>T (NM_021055.3, NM_001370405.1, NM_001363528.2 and 2 more transcripts); c.2726+641C>T (NM_001318827.2); c.2237+641C>T (NM_001318831.2); c.2690+641C>T (NM_001318829.2); c.2870+641C>T (NM_001318832.2).
Identifiers: ClinVar variation 669913 (VCV000669913.1), dbSNP rs61260040, ClinGen allele CA276743619.